The following is an entry in ClinVar:

NM_001164277.2(SLC37A4):c.148+1G>A

Gene: SLC37A4 (solute carrier family 37 member 4; minus strand). Cytogenetic location: 11q23.3.
Variant type: single nucleotide variant.
Coding change: c.148+1G>A on transcript NM_001164277.2 (MANE Select); the canonical splice donor site of the intron after coding-DNA position 148, G replaced by A.
Molecular consequence: splice donor variant. On other transcripts: intron variant (1).
Genome position (GRCh38, 1-based): chr11:119,029,221, C>T on the plus strand (G>A on the coding strand, the complement: SLC37A4 is on the minus strand). VCF-style: chr11-119029221-C-T. GRCh37 (hg19) VCF-style: chr11-118899931-C-T.
Other names: IVS1, G-A, +1; c.148+1G>A (NM_001164277.1, NM_001467.6, NM_001164278.2 and 1 more transcripts); c.-172+171G>A (NM_001164279.2).
Identifiers: ClinVar variation 6932 (VCV000006932.13), dbSNP rs1943672400, ClinGen allele CA382907837.

ClinVar aggregate classification (germline): Pathogenic/Likely pathogenic. Review status: criteria provided, multiple submitters, no conflicts (2 of 4 stars). 6 submissions from 5 submitters: Pathogenic (3); Likely pathogenic (1). 2 of the submissions do not count toward it. Last evaluated 2025-03-25.

Conditions:
Glucose-6-phosphate transport defect (GSD1B). Also called: Glycogen Storage Disease Type Ib; GSD Ib. Identifiers: Orphanet 364, Orphanet 79259, MedGen C0268146, MONDO:0009288, OMIM 232220.
Congenital disorder of glycosylation, type IIw. Identifiers: MedGen C5561986, MONDO:0030437, OMIM 619525.
Phosphate transport defect (GSD1C). Also called: GSD Ic; GLYCOGEN STORAGE DISEASE Ic. Identifiers: Orphanet 364, Orphanet 79259, MedGen C0342749, OMIM 232240.

Allele frequency attached by ClinVar (database versions not stated): gnomAD exomes below 0.00001.

Submissions (6):

Natera, Inc.
Classification: Pathogenic for Glycogen storage disease type Ib. Last evaluated: 2025-03-25. Review status: criteria provided, single submitter. Criteria: Natera Variant Classification Schema (03/2026). Collection method: clinical testing. Allele origin: germline.
Comment: The c.148+1G>A variant in SLC37A4 is a canonical splice donor site variant predicted to affect pre-mRNA splicing, which may result in an abnormal transcript and altered protein product. This variant is expected to result in nonsense mediated decay, truncation, or a dysfunctional protein product. This variant is rare in the general population with a frequency below the threshold expected for the associated phenotype(s). This variant has been observed in one or more individuals affected with the associated recessive disease, as either homozygous or compound heterozygous with a second variant (PMID: 31587472, 19938129). Another variant at this same site results in an alteration predicted to cause a similar molecular effect has been observed in individual(s) with the associated phenotype. Given the available evidence, this variant is classified as Pathogenic.

Baylor Genetics
Classification: Pathogenic for Glucose-6-phosphate transport defect. Last evaluated: 2024-02-23. Review status: criteria provided, single submitter. Criteria: ACMG Guidelines, 2015. Collection method: clinical testing. Allele origin: unknown.

Labcorp Genetics (formerly Invitae), Labcorp
Classification: Pathogenic for Glucose-6-phosphate transport defect. Last evaluated: 2024-01-14. Review status: criteria provided, single submitter. Criteria: Invitae Variant Classification Sherloc (09022015). Collection method: clinical testing. Allele origin: germline.
Comment: This sequence change affects a donor splice site in intron 3 of the SLC37A4 gene. RNA analysis indicates that this variant induces altered splicing and may result in an absent or disrupted protein product. This variant is not present in population databases (gnomAD no frequency). This variant has been observed in individual(s) with SLC37A4-related conditions (PMID: 9675154, 10323254). In at least one individual the data is consistent with being in trans (on the opposite chromosome) from a pathogenic variant. ClinVar contains an entry for this variant (Variation ID: 6932). Studies have shown that this variant results in a deletion of 170bp from exon 4 and introduces a premature termination codon (PMID: 9675154). The resulting mRNA is expected to undergo nonsense-mediated decay. For these reasons, this variant has been classified as Pathogenic.

Fulgent Genetics
Classification: Likely pathogenic for Glucose-6-phosphate transport defect; Phosphate transport defect; Congenital disorder of glycosylation, type IIw. Last evaluated: 2021-07-29. Review status: criteria provided, single submitter. Criteria: ACMG Guidelines, 2015. Collection method: clinical testing. Allele origin: unknown.

OMIM
Classification: Pathogenic for GLYCOGEN STORAGE DISEASE Ib. Last evaluated: 1999-03-01. Review status: no assertion criteria provided. Collection method: literature only. Allele origin: germline. Not counted in ClinVar's aggregate classification.

OMIM
Classification: Pathogenic for GLYCOGEN STORAGE DISEASE Ic. Last evaluated: 1999-03-01. Review status: no assertion criteria provided. Collection method: literature only. Allele origin: germline. Not counted in ClinVar's aggregate classification.

Literature cited by the submitters: PubMed 31587472 (cited by Natera, Inc.); PubMed 19938129 (cited by Natera, Inc.); PubMed 9675154 (cited by Labcorp Genetics (formerly Invitae), Labcorp and OMIM); PubMed 10323254 (cited by Labcorp Genetics (formerly Invitae), Labcorp and OMIM).